The following is an entry in ClinVar:

NM_138694.4(PKHD1):c.4330C>T (p.Gln1444Ter)

Gene: PKHD1 (PKHD1 ciliary IPT domain containing fibrocystin/polyductin; minus strand). Cytogenetic location: 6p12.2.
Variant type: single nucleotide variant.
Coding change: c.4330C>T on transcript NM_138694.4 (MANE Select); coding-DNA position 4330, C replaced by T.
Protein change: p.Gln1444Ter; replaces glutamine 1444 with a stop codon.
Molecular consequence: nonsense.
Genome position (GRCh38, 1-based): chr6:52,025,480, G>A on the plus strand (C>T on the coding strand, the complement: PKHD1 is on the minus strand). VCF-style: chr6-52025480-G-A. GRCh37 (hg19) VCF-style: chr6-51890278-G-A.
Other names: c.4330C>T, p.Gln1444Ter (NM_170724.3); short protein forms Q1444*.
Identifiers: ClinVar variation 636695 (VCV000636695.13), dbSNP rs1581808463, ClinGen allele CA364434012.

ClinVar aggregate classification (germline): Pathogenic/Likely pathogenic. Review status: criteria provided, multiple submitters, no conflicts (2 of 4 stars). 4 submissions from 4 submitters: Pathogenic (2); Likely pathogenic (2). Last evaluated 2025-08-20.

Conditions:
PKHD1-related disorder. Also called: PKHD1-related condition.
Autosomal recessive polycystic kidney disease (ARPKD). Also called: AR polycystic kidney disease. Identifiers: Orphanet 731, Orphanet 8378, MedGen C0085548, MeSH D017044, MONDO:0009889.

gnomAD v4.1: 1 of 1,612,092 alleles (0.000062%); highest among the groups gnomAD compares: Non-Finnish European, 0.000085%; no homozygotes.

Submissions (4):

Natera, Inc.
Classification: Likely pathogenic for Autosomal recessive polycystic kidney disease. Last evaluated: 2025-08-20. Review status: criteria provided, single submitter. Criteria: Natera Variant Classification Schema (03/2026). Collection method: clinical testing. Allele origin: germline.
Comment: The c.4330C>T variant in PKHD1 is a nonsense variant predicted to introduce a stop codon at amino acid 1444. This variant is expected to result in nonsense mediated decay, truncation, or a dysfunctional protein product. This variant is rare in the general population with a frequency below the threshold expected for the associated phenotype(s). Given the available evidence, this variant is classified as Likely Pathogenic.

GeneDx
Classification: Pathogenic. Last evaluated: 2022-12-29. Review status: criteria provided, single submitter. Criteria: GeneDx Variant Classification Process June 2021. Collection method: clinical testing. Allele origin: germline. Affected: yes.
Comment: Nonsense variant predicted to result in protein truncation or nonsense mediated decay in a gene for which loss of function is a known mechanism of disease; Not observed at significant frequency in large population cohorts (gnomAD); This variant is associated with the following publications: (PMID: 25525159, 16133180)

Labcorp Genetics (formerly Invitae), Labcorp
Classification: Pathogenic for Autosomal recessive polycystic kidney disease. Last evaluated: 2019-05-22. Review status: criteria provided, single submitter. Criteria: Invitae Variant Classification Sherloc (09022015). Collection method: clinical testing. Allele origin: germline.
Comment: For these reasons, this variant has been classified as Pathogenic. Loss-of-function variants in PKHD1 are known to be pathogenic (PMID: 19940839). This variant has been observed in an individual affected with polycystic kidney disease (PMID: 16133180). This variant is not present in population databases (ExAC no frequency). This sequence change creates a premature translational stop signal (p.Gln1444*) in the PKHD1 gene. It is expected to result in an absent or disrupted protein product.

Blueprint Genetics
Classification: Likely pathogenic for PKHD1-related disorders. Last evaluated: 2018-06-29. Review status: criteria provided, single submitter. Criteria: ACMG Guidelines, 2015. Collection method: clinical testing. Allele origin: germline. Affected: yes. Observed: 1 variant allele.

Literature cited by the submitters: PubMed 19940839 (cited by Labcorp Genetics (formerly Invitae), Labcorp); PubMed 16133180 (cited by Labcorp Genetics (formerly Invitae), Labcorp).